The following is an entry in ClinVar:

ClinVar aggregate classification (germline): Uncertain significance. Review status: criteria provided, multiple submitters, no conflicts (2 of 4 stars). 2 submissions from 2 submitters: Uncertain significance (2). Last evaluated 2025-10-02.

Conditions:
Basal laminar drusen. Also called: DRUSEN OF BRUCH MEMBRANE; DRUSEN, CUTICULAR; DRUSEN, EARLY ADULT-ONSET, GROUPED. Identifiers: Orphanet 75376, MedGen C0730295, MONDO:0007472, OMIM 126700.
Factor H deficiency (CFHD). Also called: COMPLEMENT FACTOR H DEFICIENCY; CFH DEFICIENCY. Identifiers: Orphanet 200421, MedGen C0398777, MONDO:0012350, OMIM 609814.
Age related macular degeneration 4. Identifiers: MedGen C1853147, MONDO:0012540, OMIM 610698.
Atypical hemolytic-uremic syndrome. Identifiers: Orphanet 2134, MedGen C2931788, MONDO:0016244.
Hemolytic uremic syndrome, atypical, susceptibility to, 1. Also called: AHUS, SUSCEPTIBILITY TO, 1. Identifiers: Orphanet 2134, Orphanet 90038, MedGen C2749604, MONDO:0009335, OMIM 235400. Disease mechanism: Other.

Submissions (2):

Genomenon, Inc
Classification: Uncertain significance for Basal laminar drusen; Age related macular degeneration 4; Atypical hemolytic-uremic syndrome; Factor H deficiency. Last evaluated: 2025-10-02. Review status: criteria provided, single submitter. Criteria: Genomenon Sequence Variant Interpretation Standards - Updated. Collection method: curation. Allele origin: germline. Affected: no.
Comment: CFH p.Asn1056Lys (c.3168T>G) is a missense variant that changes the amino acid at residue 1056 from Asparagine to Lysine. This variant has been reported in the published literature (PMID:27905547;27939104). It is absent or not present at a significant frequency in gnomAD. In conclusion, we classify CFH p.Asn1056Lys (c.3168T>G) as a variant of uncertain significance.

Fulgent Genetics
Classification: Uncertain significance for Basal laminar drusen; Hemolytic uremic syndrome, atypical, susceptibility to, 1; Factor H deficiency; Age related macular degeneration 4. Last evaluated: 2024-02-07. Review status: criteria provided, single submitter. Criteria: ACMG Guidelines, 2015. Collection method: clinical testing. Allele origin: germline.

Literature cited by the submitters: PubMed 27905547 (cited by Genomenon, Inc); PubMed 27939104 (cited by Genomenon, Inc).

NM_000186.4(CFH):c.3168T>G (p.Asn1056Lys)

Gene: CFH (complement factor H; plus strand). Cytogenetic location: 1q31.3.
Variant type: single nucleotide variant.
Coding change: c.3168T>G on transcript NM_000186.4 (MANE Select); coding-DNA position 3168, T replaced by G.
Protein change: p.Asn1056Lys; replaces asparagine 1056 with lysine.
Molecular consequence: missense variant.
Genome position (GRCh38, 1-based): chr1:196,743,486, T>G. VCF-style: chr1-196743486-T-G. GRCh37 (hg19) VCF-style: chr1-196712616-T-G.
Other names: short protein forms N1056K.
Identifiers: ClinVar variation 3575608 (VCV003575608.2).